The following is an entry in ClinVar:

NM_001206927.2(DNAH8):c.9860-9T>A

Genes: DNAH8 (dynein axonemal heavy chain 8; plus strand), DNAH8-AS1 (DNAH8 antisense RNA 1; minus strand). Cytogenetic location: 6p21.2.
Variant type: single nucleotide variant.
Coding change: c.9860-9T>A on transcript NM_001206927.2 (MANE Select); 9 bases into the intron before coding-DNA position 9860, T replaced by A.
Molecular consequence: intron variant.
Genome position (GRCh38, 1-based): chr6:38,913,840, T>A. VCF-style: chr6-38913840-T-A. GRCh37 (hg19) VCF-style: chr6-38881616-T-A.
Other names: c.9209-9T>A (NM_001371.4).
Identifiers: ClinVar variation 958353 (VCV000958353.10), dbSNP rs1781091922, ClinGen allele CA1139659502.
Genomic context (GRCh38, chr6:38,913,840, plus strand): 5'-ATTGAATAAATATTTGATGAAGGCATATACCTGTACTCAGTAAAGGTATATATGTGTGTA[T>A]TTGTAAAGGTCTTGATAAACTAATGGAGGCAAGTGAATCTGTTGCTAAACTCTCTCAGGA-3'

ClinVar aggregate classification (germline): Uncertain significance (1 of 4 stars; one submission).

Conditions:
Primary ciliary dyskinesia. Also called: Ciliary dyskinesia. Identifiers: Orphanet 244, MedGen C0008780, MONDO:0016575, HP:0012265.

Submission:

Labcorp Genetics (formerly Invitae), Labcorp
Classification: Uncertain significance for Primary ciliary dyskinesia. Last evaluated: 2019-08-28. Review status: criteria provided, single submitter. Criteria: Invitae Variant Classification Sherloc (09022015). Collection method: clinical testing. Allele origin: germline.
Comment: In summary, the available evidence is currently insufficient to determine the role of this variant in disease. Therefore, it has been classified as a Variant of Uncertain Significance. This sequence change falls in intron 66 of the DNAH8 gene. It does not directly change the encoded amino acid sequence of the DNAH8 protein. This variant is not present in population databases (ExAC no frequency). This variant has not been reported in the literature in individuals with DNAH8-related conditions. Algorithms developed to predict the effect of sequence changes on RNA splicing suggest that this variant may disrupt the consensus splice site, but this prediction has not been confirmed by published transcriptional studies.